The following is an entry in ClinVar:

ClinVar aggregate classification (germline): Benign/Likely benign. Review status: criteria provided, multiple submitters, no conflicts (2 of 4 stars). 6 submissions from 6 submitters: Benign (2); Likely benign (4). Last evaluated 2026-07-01.

Conditions:
Joubert syndrome 17 (JBTS17). Identifiers: Orphanet 475, MedGen C3553264, MONDO:0013824, OMIM 614615.

Allele frequency attached by ClinVar (database versions not stated): gnomAD exomes 0.00028 and 0.00087; ExAC 0.00105; 1000 Genomes Project 30x 0.00328; 1000 Genomes Project 0.00339; gnomAD 0.00343 and 0.00368; TOPMed 0.00389; ESP Exome Variant Server 0.00392.
gnomAD v4.1: 945 of 1,613,334 alleles (0.059%); highest among the groups gnomAD compares: African/African-American, 1.2%; 6 homozygotes.

Submissions (6):

CeGaT Center for Human Genetics Tuebingen
Classification: Likely benign. Last evaluated: 2026-07-01. Review status: criteria provided, single submitter. Criteria: CeGaT Center For Human Genetics Tuebingen Variant Classification Criteria Version 2. Collection method: clinical testing. Allele origin: germline. Affected: yes. Observed: 1 variant allele.
Comment: CPLANE1: BP4, BP7, BS1

Labcorp Genetics (formerly Invitae), Labcorp
Classification: Benign. Last evaluated: 2026-01-28. Review status: criteria provided, single submitter. Criteria: Invitae Variant Classification Sherloc (09022015). Collection method: clinical testing. Allele origin: germline.

Blueprint Genetics
Classification: Likely benign. Last evaluated: 2024-08-22. Review status: criteria provided, single submitter. Criteria: ACMG Guidelines, 2015. Collection method: clinical testing. Allele origin: germline.

GeneDx
Classification: Benign. Last evaluated: 2020-06-22. Review status: criteria provided, single submitter. Criteria: GeneDx Variant Classification Process June 2021. Collection method: clinical testing. Allele origin: germline. Affected: yes.

Illumina Laboratory Services, Illumina
Classification: Likely benign for Joubert syndrome 17. Last evaluated: 2018-01-13. Review status: criteria provided, single submitter. Criteria: ICSL Variant Classification Criteria 13 December 2019. Collection method: clinical testing. Allele origin: germline.
Comment: This variant was observed in the ICSL laboratory as part of a predisposition screen in an ostensibly healthy population. It had not been previously curated by ICSL or reported in the Human Gene Mutation Database (HGMD: prior to June 1st, 2018), and was therefore a candidate for classification through an automated scoring system. Utilizing variant allele frequency, disease prevalence and penetrance estimates, and inheritance mode, an automated score was calculated to assess if this variant is too frequent to cause the disease. Based on the score and internal cut-off values, a variant classified as likely benign is not then subjected to further curation. The score for this variant resulted in a classification of likely benign for this disease.

Breakthrough Genomics
Classification: Likely benign. Review status: criteria provided, single submitter. Criteria: ACMG Guidelines, 2015. Collection method: not provided. Allele origin: germline. Inheritance: Autosomal recessive inheritance. Affected: yes.

NM_001384732.1(CPLANE1):c.4719C>T (p.Asp1573=)

Gene: CPLANE1 (ciliogenesis and planar polarity effector complex subunit 1; minus strand). Cytogenetic location: 5p13.2.
Variant type: single nucleotide variant.
Coding change: c.4719C>T on transcript NM_001384732.1 (MANE Select); coding-DNA position 4719, C replaced by T.
Protein change: p.Asp1573=; no amino-acid change (aspartic acid 1573 retained).
Molecular consequence: synonymous variant.
Genome position (GRCh38, 1-based): chr5:37,183,462, G>A on the plus strand (C>T on the coding strand, the complement: CPLANE1 is on the minus strand). VCF-style: chr5-37183462-G-A. GRCh37 (hg19) VCF-style: chr5-37183564-G-A.
Other names: c.4719C>T, p.Asp1573= (NM_023073.4).
Identifiers: ClinVar variation 353451 (VCV000353451.19), dbSNP rs143084362, ClinGen allele CA3238655.
Genomic context (GRCh38, chr5:37,183,462, plus strand): 5'-AAGTAAAGAATTAAGTTCATGTTCTCTAAGCTTTCCAGAAAAACTAGTTAGAAATGGAAT[G>A]TCAGCATCCCTGGAATAAGGTAGGTCTCTTTCAAGAATGTAACTCAAAAACAGATCAAGG-3'
Protein context (NP_001371661.1, residues 1563-1583): ERDLPYSRDA[Asp1573=]IPFLTSFSGK